The following is an entry in ClinVar:

ClinVar aggregate classification (germline): Uncertain significance (1 of 4 stars; one submission).

Submission:

GeneDx
Classification: Uncertain significance. Last evaluated: 2024-02-20. Review status: criteria provided, single submitter. Criteria: GeneDx Variant Classification Process June 2021. Collection method: clinical testing. Allele origin: germline. Affected: yes.
Comment: Not observed at significant frequency in large population cohorts (gnomAD); In silico analysis supports that this missense variant does not alter protein structure/function; Has not been previously published as pathogenic or benign to our knowledge

NM_017934.7(PHIP):c.1995T>A (p.Ser665Arg)

Gene: PHIP (pleckstrin homology domain interacting protein; minus strand). Cytogenetic location: 6q14.1.
Variant type: single nucleotide variant.
Coding change: c.1995T>A on transcript NM_017934.7 (MANE Select); coding-DNA position 1995, T replaced by A.
Protein change: p.Ser665Arg; replaces serine 665 with arginine.
Molecular consequence: missense variant.
Genome position (GRCh38, 1-based): chr6:78,998,276, A>T on the plus strand (T>A on the coding strand, the complement: PHIP is on the minus strand). VCF-style: chr6-78998276-A-T. GRCh37 (hg19) VCF-style: chr6-79707993-A-T.
Other names: short protein forms S665R.
Identifiers: ClinVar variation 3369417 (VCV003369417.1).
Genomic context (GRCh38, chr6:78,998,276, plus strand): 5'-TTTTTAAATATTTCACTTAAAATAGAATACCTGCTTACCTCTACTTAAACGGCTGGTATT[A>T]CTGATAACTGCTTCACCAGAACGTCTCAGGTCTTGCTCCTGTTGTAGTCTTTGAATCATG-3'
Protein context (NP_060404.4, residues 655-675): DLRRSGEAVI[Ser665Arg]NTSRLSRGSI